The following is an entry in ClinVar:

ClinVar aggregate classification (germline): Uncertain significance. Review status: criteria provided, multiple submitters, no conflicts (2 of 4 stars). 2 submissions from 2 submitters: Uncertain significance (2). Last evaluated 2024-12-13.

Conditions:
Developmental and epileptic encephalopathy, 23 (DEE23). Also called: Epileptic encephalopathy, early infantile, 23. Identifiers: Orphanet 411986, MedGen C4014492, MONDO:0014371, OMIM 615859.
Inborn genetic diseases. Identifiers: MedGen C0950123, MeSH D030342.

Submissions (2):

Ambry Genetics
Classification: Uncertain significance for Inborn genetic diseases. Last evaluated: 2024-12-13. Review status: criteria provided, single submitter. Criteria: Ambry Variant Classification Scheme 2023. Collection method: clinical testing. Allele origin: germline.

Labcorp Genetics (formerly Invitae), Labcorp
Classification: Uncertain significance for Developmental and epileptic encephalopathy, 23. Last evaluated: 2022-07-25. Review status: criteria provided, single submitter. Criteria: Invitae Variant Classification Sherloc (09022015). Collection method: clinical testing. Allele origin: germline.
Comment: This sequence change replaces histidine, which is basic and polar, with proline, which is neutral and non-polar, at codon 1517 of the DOCK7 protein (p.His1517Pro). This variant is not present in population databases (gnomAD no frequency). This variant has not been reported in the literature in individuals affected with DOCK7-related conditions. ClinVar contains an entry for this variant (Variation ID: 1060354). Algorithms developed to predict the effect of missense changes on protein structure and function are either unavailable or do not agree on the potential impact of this missense change (SIFT: "Tolerated"; PolyPhen-2: "Probably Damaging"; Align-GVGD: "Class C0"). In summary, the available evidence is currently insufficient to determine the role of this variant in disease. Therefore, it has been classified as a Variant of Uncertain Significance.

NM_001367561.1(DOCK7):c.4577A>C (p.His1526Pro)

Gene: DOCK7 (dedicator of cytokinesis 7; minus strand). Cytogenetic location: 1p31.3.
Variant type: single nucleotide variant.
Coding change: c.4577A>C on transcript NM_001367561.1 (MANE Select); coding-DNA position 4577, A replaced by C.
Protein change: p.His1526Pro; replaces histidine 1526 with proline.
Molecular consequence: missense variant.
Genome position (GRCh38, 1-based): chr1:62,505,716, T>G on the plus strand (A>C on the coding strand, the complement: DOCK7 is on the minus strand). VCF-style: chr1-62505716-T-G. GRCh37 (hg19) VCF-style: chr1-62971387-T-G.
Other names: c.4484A>C (NM_033407.2); c.4550A>C, p.His1517Pro (NM_001271999.2, NM_001330614.2); c.4457A>C, p.His1486Pro (NM_001272000.2, NM_001272001.2); c.4484A>C, p.His1495Pro (NM_033407.4); short protein forms H1486P, H1495P, H1517P, H1526P.
Identifiers: ClinVar variation 1060354 (VCV001060354.10), dbSNP rs2149322743, ClinGen allele CA340619302.